The following is an entry in ClinVar:

NM_006204.4(PDE6C):c.1269+18A>G

Gene: PDE6C (phosphodiesterase 6C; plus strand). Cytogenetic location: 10q23.33.
Variant type: single nucleotide variant.
Coding change: c.1269+18A>G on transcript NM_006204.4 (MANE Select); 18 bases into the intron after coding-DNA position 1269, A replaced by G.
Molecular consequence: intron variant.
Genome position (GRCh38, 1-based): chr10:93,634,925, A>G. VCF-style: chr10-93634925-A-G. GRCh37 (hg19) VCF-style: chr10-95394682-A-G.
Identifiers: ClinVar variation 1416164 (VCV001416164.3), dbSNP rs761000143, ClinGen allele CA5610125.

ClinVar aggregate classification (germline): Uncertain significance (1 of 4 stars; one submission).

Allele frequency attached by ClinVar (database versions not stated): TOPMed below 0.00001; gnomAD 0.00001; gnomAD exomes 0.00001 and 0.00002; ExAC 0.00005.
gnomAD v4.1: 13 of 1,613,310 alleles (0.00081%); highest among the groups gnomAD compares: Admixed American, 0.0083%; no homozygotes.

Submission:

Labcorp Genetics (formerly Invitae), Labcorp
Classification: Uncertain significance. Last evaluated: 2022-08-19. Review status: criteria provided, single submitter. Criteria: Invitae Variant Classification Sherloc (09022015). Collection method: clinical testing. Allele origin: germline.
Comment: This sequence change falls in intron 9 of the PDE6C gene. It does not directly change the encoded amino acid sequence of the PDE6C protein. This variant is present in population databases (rs761000143, gnomAD 0.02%). This variant has not been reported in the literature in individuals affected with PDE6C-related conditions. ClinVar contains an entry for this variant (Variation ID: 1416164). Algorithms developed to predict the effect of sequence changes on RNA splicing suggest that this variant may disrupt the consensus splice site. In summary, the available evidence is currently insufficient to determine the role of this variant in disease. Therefore, it has been classified as a Variant of Uncertain Significance.